The following is an entry in ClinVar:

NM_004281.4(BAG3):c.1106C>T (p.Ala369Val)

Gene: BAG3 (BAG cochaperone 3; plus strand). Cytogenetic location: 10q26.11.
Variant type: single nucleotide variant.
Coding change: c.1106C>T on transcript NM_004281.4 (MANE Select); coding-DNA position 1106, C replaced by T.
Protein change: p.Ala369Val; replaces alanine 369 with valine.
Molecular consequence: missense variant.
Genome position (GRCh38, 1-based): chr10:119,676,660, C>T. VCF-style: chr10-119676660-C-T. GRCh37 (hg19) VCF-style: chr10-121436172-C-T.
Other names: short protein forms A369V.
Identifiers: ClinVar variation 2932063 (VCV002932063.3), dbSNP rs2494022889, ClinGen allele CA378296647.

ClinVar aggregate classification (germline): Uncertain significance (1 of 4 stars; one submission).

Conditions:
Dilated cardiomyopathy 1HH (CMD1HH). Identifiers: Orphanet 154, MedGen C3151293, MONDO:0013479, OMIM 613881.
Myofibrillar myopathy 6. Identifiers: Orphanet 199340, MedGen C2751831, MONDO:0013061, OMIM 612954.

Submission:

Labcorp Genetics (formerly Invitae), Labcorp
Classification: Uncertain significance for Dilated cardiomyopathy 1HH; Myofibrillar myopathy 6. Last evaluated: 2023-02-18. Review status: criteria provided, single submitter. Criteria: Invitae Variant Classification Sherloc (09022015). Collection method: clinical testing. Allele origin: germline.
Comment: This sequence change replaces alanine, which is neutral and non-polar, with valine, which is neutral and non-polar, at codon 369 of the BAG3 protein (p.Ala369Val). This variant is not present in population databases (gnomAD no frequency). This variant has not been reported in the literature in individuals affected with BAG3-related conditions. Advanced modeling of protein sequence and biophysical properties (such as structural, functional, and spatial information, amino acid conservation, physicochemical variation, residue mobility, and thermodynamic stability) performed at Invitae indicates that this missense variant is not expected to disrupt BAG3 protein function. In summary, the available evidence is currently insufficient to determine the role of this variant in disease. Therefore, it has been classified as a Variant of Uncertain Significance.